The following is an entry in ClinVar:

ClinVar aggregate classification (germline): Uncertain significance (1 of 4 stars; one submission).

Allele frequency attached by ClinVar (database versions not stated): TOPMed below 0.00001; gnomAD 0.00001; gnomAD exomes 0.00001.
gnomAD v4.1: 16 of 1,613,884 alleles (0.00099%); highest among the groups gnomAD compares: Non-Finnish European, 0.0013%; no homozygotes.

Submission:

Labcorp Genetics (formerly Invitae), Labcorp
Classification: Uncertain significance. Last evaluated: 2023-08-24. Review status: criteria provided, single submitter. Criteria: Invitae Variant Classification Sherloc (09022015). Collection method: clinical testing. Allele origin: germline.
Comment: This sequence change replaces leucine, which is neutral and non-polar, with serine, which is neutral and polar, at codon 889 of the KCNH1 protein (p.Leu889Ser). This variant is present in population databases (no rsID available, gnomAD 0.0009%). This variant has not been reported in the literature in individuals affected with KCNH1-related conditions. Advanced modeling of protein sequence and biophysical properties (such as structural, functional, and spatial information, amino acid conservation, physicochemical variation, residue mobility, and thermodynamic stability) performed at Invitae indicates that this missense variant is not expected to disrupt KCNH1 protein function. In summary, the available evidence is currently insufficient to determine the role of this variant in disease. Therefore, it has been classified as a Variant of Uncertain Significance.

NM_172362.3(KCNH1):c.2666T>C (p.Leu889Ser)

Gene: KCNH1 (potassium voltage-gated channel subfamily H member 1; minus strand). Cytogenetic location: 1q32.2.
Variant type: single nucleotide variant.
Coding change: c.2666T>C on transcript NM_172362.3 (MANE Select); coding-DNA position 2666, T replaced by C.
Protein change: p.Leu889Ser; replaces leucine 889 with serine.
Molecular consequence: missense variant.
Genome position (GRCh38, 1-based): chr1:210,683,585, A>G on the plus strand (T>C on the coding strand, the complement: KCNH1 is on the minus strand). VCF-style: chr1-210683585-A-G. GRCh37 (hg19) VCF-style: chr1-210856927-A-G.
Other names: c.2585T>C, p.Leu862Ser (NM_002238.4); short protein forms L862S, L889S.
Identifiers: ClinVar variation 2852892 (VCV002852892.3), dbSNP rs1223690747, ClinGen allele CA344870684.